The following is an entry in ClinVar:

NM_001134407.3(GRIN2A):c.1993C>G (p.Leu665Val)

Gene: GRIN2A (glutamate ionotropic receptor NMDA type subunit 2A; minus strand). Cytogenetic location: 16p13.2.
Variant type: single nucleotide variant.
Coding change: c.1993C>G on transcript NM_001134407.3 (MANE Select); coding-DNA position 1993, C replaced by G.
Protein change: p.Leu665Val; replaces leucine 665 with valine.
Molecular consequence: missense variant.
Genome position (GRCh38, 1-based): chr16:9,829,437, G>C on the plus strand (C>G on the coding strand, the complement: GRIN2A is on the minus strand). VCF-style: chr16-9829437-G-C. GRCh37 (hg19) VCF-style: chr16-9923294-G-C.
Other names: c.1993C>G, p.Leu665Val (NM_000833.5, NM_001134408.2); short protein forms L665V.
Identifiers: ClinVar variation 2113945 (VCV002113945.4), dbSNP rs2506111306, ClinGen allele CA394799095.
Genomic context (GRCh38, chr16:9,829,437, plus strand): 5'-AGTTAAGACCAACCCTCAGATGGAGAGGAAAGCAAGGTGACCTTACCTTTTTGTCACTGA[G>C]GCCGGTCACTTGGTCCACAAATTCCTCTTGGATCATGAAGGCAGCCAGATTGGCTGTGTA-3'
Protein context (NP_001127879.1, residues 655-675): QEEFVDQVTG[Leu665Val]SDKKFQRPHD

ClinVar aggregate classification (germline): Uncertain significance (1 of 4 stars; one submission).

Conditions:
Landau-Kleffner syndrome (FESD). Also called: EPILEPSY, FOCAL, WITH SPEECH DISORDER AND WITH OR WITHOUT MENTAL RETARDATION; APHASIA, ACQUIRED, WITH EPILEPSY. Identifiers: Orphanet 1945, Orphanet 725, Orphanet 98818, MedGen C0282512, MONDO:0009509, OMIM 245570.

Submission:

Labcorp Genetics (formerly Invitae), Labcorp
Classification: Uncertain significance for Landau-Kleffner syndrome. Last evaluated: 2022-03-18. Review status: criteria provided, single submitter. Criteria: Invitae Variant Classification Sherloc (09022015). Collection method: clinical testing. Allele origin: germline.
Comment: This variant has not been reported in the literature in individuals affected with GRIN2A-related conditions. This variant is not present in population databases (gnomAD no frequency). This sequence change replaces leucine, which is neutral and non-polar, with valine, which is neutral and non-polar, at codon 665 of the GRIN2A protein (p.Leu665Val). In summary, the available evidence is currently insufficient to determine the role of this variant in disease. Therefore, it has been classified as a Variant of Uncertain Significance. Advanced modeling of protein sequence and biophysical properties (such as structural, functional, and spatial information, amino acid conservation, physicochemical variation, residue mobility, and thermodynamic stability) performed at Invitae indicates that this missense variant is expected to disrupt GRIN2A protein function.